The following is an entry in ClinVar:

NM_005993.5(TBCD):c.358C>G (p.Arg120Gly)

Gene: TBCD (tubulin folding cofactor D). Cytogenetic location: 17q25.3.
Variant type: single nucleotide variant.
Coding change: c.358C>G on transcript NM_005993.5 (MANE Select); coding-DNA position 358, C replaced by G.
Protein change: p.Arg120Gly; replaces arginine 120 with glycine.
Molecular consequence: missense variant.
Genome position (GRCh38, 1-based): chr17:82,766,291, C>G. VCF-style: chr17-82766291-C-G. GRCh37 (hg19) VCF-style: chr17-80724167-C-G.
Other names: c.358C>G, p.Arg120Gly (NM_001411102.1); c.307C>G, p.Arg103Gly (NM_001411101.1); short protein forms R120G, R103G.
Identifiers: ClinVar variation 3719007 (VCV003719007.2).

ClinVar aggregate classification (germline): Uncertain significance (1 of 4 stars; one submission).

gnomAD v4.1: 1 of 1,612,380 alleles (0.000062%); highest among the groups gnomAD compares: East Asian, 0.0022%; no homozygotes.

Submission:

Labcorp Genetics (formerly Invitae), Labcorp
Classification: Uncertain significance. Last evaluated: 2024-10-08. Review status: criteria provided, single submitter. Criteria: Invitae Variant Classification Sherloc (09022015). Collection method: clinical testing. Allele origin: germline.
Comment: This sequence change replaces arginine, which is basic and polar, with glycine, which is neutral and non-polar, at codon 120 of the TBCD protein (p.Arg120Gly). This variant is not present in population databases (gnomAD no frequency). This variant has not been reported in the literature in individuals affected with TBCD-related conditions. Invitae Evidence Modeling of protein sequence and biophysical properties (such as structural, functional, and spatial information, amino acid conservation, physicochemical variation, residue mobility, and thermodynamic stability) has been performed for this missense variant. However, the output from this modeling did not meet the statistical confidence thresholds required to predict the impact of this variant on TBCD protein function. In summary, the available evidence is currently insufficient to determine the role of this variant in disease. Therefore, it has been classified as a Variant of Uncertain Significance.